The following is an entry in ClinVar:

NM_006947.4(SRP72):c.883G>A (p.Glu295Lys)

Gene: SRP72 (signal recognition particle 72; plus strand). Cytogenetic location: 4q12.
Variant type: single nucleotide variant.
Coding change: c.883G>A on transcript NM_006947.4 (MANE Select); coding-DNA position 883, G replaced by A.
Protein change: p.Glu295Lys; replaces glutamic acid 295 with lysine.
Molecular consequence: missense variant. On other transcripts: non-coding transcript variant (1).
Genome position (GRCh38, 1-based): chr4:56,483,196, G>A. VCF-style: chr4-56483196-G-A. GRCh37 (hg19) VCF-style: chr4-57349362-G-A.
Other names: c.700G>A, p.Glu234Lys (NM_001267722.2); short protein forms E295K, E234K.
Identifiers: ClinVar variation 212307 (VCV000212307.7), dbSNP rs797046010, ClinGen allele CA207791.

ClinVar aggregate classification (germline): Uncertain significance. Review status: criteria provided, multiple submitters, no conflicts (2 of 4 stars). 2 submissions from 2 submitters: Uncertain significance (2). Last evaluated 2025-02-06.

Submissions (2):

Ambry Genetics
Classification: Uncertain significance. Last evaluated: 2025-02-06. Review status: criteria provided, single submitter. Criteria: Ambry Variant Classification Scheme 2023. Collection method: clinical testing. Allele origin: germline.
Comment: The p.E295K variant (also known as c.883G>A), located in coding exon 9 of the SRP72 gene, results from a G to A substitution at nucleotide position 883. The glutamic acid at codon 295 is replaced by lysine, an amino acid with similar properties. This amino acid position is conserved. In addition, this alteration is predicted to be deleterious by in silico analysis. Based on the available evidence, the clinical significance of this variant remains unclear.

Genetic Services Laboratory, University of Chicago
Classification: Uncertain significance. Last evaluated: 2015-04-27. Review status: criteria provided, single submitter. Criteria: ACMG Guidelines, 2015. Collection method: clinical testing. Allele origin: germline.